The following is an entry in ClinVar:

NM_004297.4(GNA14):c.678del (p.Ala227fs)

Gene: GNA14 (G protein subunit alpha 14; minus strand). Cytogenetic location: 9q21.2.
Variant type: Deletion.
Coding change: c.678del on transcript NM_004297.4 (MANE Select); coding-DNA position 678, one base deleted (T; older notation c.678delT).
Protein change: p.Ala227fs; shifts the reading frame from alanine 227.
Molecular consequence: frameshift variant.
Genome position (GRCh38, 1-based): chr9:77,428,952, A deleted on the plus strand (T on the coding strand, the reverse complement: GNA14 is on the minus strand); the first of 2 consecutive A bases (chr9:77,428,952-77,428,953); deleting either gives the same sequence. VCF-style (leftmost placement, unchanged base first): chr9-77428951-CA-C. GRCh37 (hg19) VCF-style: chr9-80043867-CA-C.
Other names: short protein forms A227fs.
Identifiers: ClinVar variation 623423 (VCV000623423.3), dbSNP rs746420384, ClinGen allele CA5094239.

ClinVar aggregate classification (germline): Uncertain significance. Review status: criteria provided, single submitter (1 of 4 stars). 2 submissions from 2 submitters: Uncertain significance (1). 1 of the submissions does not count toward it. Last evaluated 2026-05-08.

Conditions:
High myopia. Also called: Severe Myopia. Identifiers: MedGen C0271183, HP:0011003.

Submissions (2):

Clinical Genomics Laboratory, Washington University in St. Louis
Classification: Uncertain significance. Last evaluated: 2026-05-08. Review status: criteria provided, single submitter. Criteria: ACMG Guidelines, 2015. Collection method: clinical testing. Allele origin: germline.
Comment: A GNA14 c.678del (p.Ala227Leufs*2) variant was identified at a near heterozygous allelic fraction of 48%, a frequency that may be consistent with germline origin. This variant, to our knowledge, has not been reported in the medical literature or by clinical submitters in the ClinVar database. It is observed on 173/1,613,898 alleles in the general population (gnomAD v4.1.1). Due to limited information, and based on ACMG/AMP guidelines for variant interpretation (Richards S et al., PMID: 25741868), the clinical significance of this variant is uncertain at this time.

Institute of Human Genetics, Polish Academy of Sciences
Classification: Uncertain significance for Severe Myopia. Last evaluated: 2018-12-17. Review status: no assertion criteria provided. Collection method: research. Allele origin: unknown. Affected: yes. Not counted in ClinVar's aggregate classification.